The following is an entry in ClinVar:

NM_005732.4(RAD50):c.3354C>A (p.Asn1118Lys)

Gene: RAD50 (RAD50 double strand break repair protein; plus strand). Cytogenetic location: 5q31.1.
Variant type: single nucleotide variant.
Coding change: c.3354C>A on transcript NM_005732.4 (MANE Select); coding-DNA position 3354, C replaced by A.
Protein change: p.Asn1118Lys; replaces asparagine 1118 with lysine.
Molecular consequence: missense variant.
Genome position (GRCh38, 1-based): chr5:132,618,259, C>A. VCF-style: chr5-132618259-C-A. GRCh37 (hg19) VCF-style: chr5-131953951-C-A.
Other names: short protein forms N1118K.
Identifiers: ClinVar variation 408417 (VCV000408417.10), dbSNP rs1060501976, ClinGen allele CA16611853.
Genomic context (GRCh38, chr5:132,618,259, plus strand): 5'-GGATGCTGAGGAAAAGTATAGAGAAATGATGATTGTTATGAGGACAACAGAACTTGTGAA[C>A]AAGGATCTGGATATTTATTATAAGACTCTTGACCAGTAAGTATTAGACTGGGGATTTTCT-3'
Protein context (NP_005723.2, residues 1108-1128): MIVMRTTELV[Asn1118Lys]KDLDIYYKTL

ClinVar aggregate classification (germline): Uncertain significance. Review status: criteria provided, multiple submitters, no conflicts (2 of 4 stars). 2 submissions from 2 submitters: Uncertain significance (2). Last evaluated 2025-08-01.

Conditions:
Hereditary cancer-predisposing syndrome. Also called: Hereditary Cancer Syndrome; Hereditary neoplastic syndrome; Neoplastic Syndromes, Hereditary; Tumor predisposition. Identifiers: Orphanet 140162, MedGen C0027672, MeSH D009386, MONDO:0015356.

Submissions (2):

Ambry Genetics
Classification: Uncertain significance for Hereditary cancer-predisposing syndrome. Last evaluated: 2025-08-01. Review status: criteria provided, single submitter. Criteria: Ambry Variant Classification Scheme 2023. Collection method: clinical testing. Allele origin: germline.
Comment: The p.N1118K variant (also known as c.3354C>A), located in coding exon 21 of the RAD50 gene, results from a C to A substitution at nucleotide position 3354. The asparagine at codon 1118 is replaced by lysine, an amino acid with similar properties. This amino acid position is conserved. In addition, this alteration is predicted to be tolerated by in silico analysis. Based on the available evidence, the clinical significance of this variant remains unclear.

Labcorp Genetics (formerly Invitae), Labcorp
Classification: Uncertain significance for Hereditary cancer-predisposing syndrome. Last evaluated: 2016-04-21. Review status: criteria provided, single submitter. Criteria: Invitae Variant Classification Sherloc (09022015). Collection method: clinical testing. Allele origin: germline.
Comment: In summary, this variant is a novel missense change that is not predicted to affect protein function. There is no indication that it causes disease, but the available evidence is currently insufficient to prove that conclusively. Therefore, it has been classified as a Variant of Uncertain Significance. Algorithms developed to predict the effect of missense changes on protein structure and function (SIFT, PolyPhen-2, Align-GVGD) all suggest that this variant is likely to be tolerated, but these predictions have not been confirmed by published functional studies. This variant is not present in population databases (ExAC no frequency) and has not been reported in the literature in individuals with a RAD50-related disease. This sequence change replaces asparagine with lysine at codon 1118 of the RAD50 protein (p.Asn1118Lys). The asparagine residue is moderately conserved and there is a moderate physicochemical difference between asparagine and lysine.